The following is an entry in ClinVar:

NM_020320.5(RARS2):c.1481A>T (p.Gln494Leu)

Gene: RARS2 (arginyl-tRNA synthetase 2, mitochondrial; minus strand). Cytogenetic location: 6q15.
Variant type: single nucleotide variant.
Coding change: c.1481A>T on transcript NM_020320.5 (MANE Select); coding-DNA position 1481, A replaced by T.
Protein change: p.Gln494Leu; replaces glutamine 494 with leucine.
Molecular consequence: missense variant. On other transcripts: non-coding transcript variant (19).
Genome position (GRCh38, 1-based): chr6:87,518,199, T>A on the plus strand (A>T on the coding strand, the complement: RARS2 is on the minus strand). VCF-style: chr6-87518199-T-A. GRCh37 (hg19) VCF-style: chr6-88227917-T-A.
Other names: c.956A>T, p.Gln319Leu (NM_001318785.2, NM_001350506.2, NM_001350507.2 and 4 more transcripts); c.1481A>T, p.Gln494Leu (NM_001350505.2); short protein forms Q319L, Q494L.
Identifiers: ClinVar variation 3365606 (VCV003365606.2).

ClinVar aggregate classification (germline): Uncertain significance (1 of 4 stars; one submission).

Submission:

GeneDx
Classification: Uncertain significance. Last evaluated: 2025-04-14. Review status: criteria provided, single submitter. Criteria: GeneDx Variant Classification Process June 2021. Collection method: clinical testing. Allele origin: germline.
Comment: Not observed at significant frequency in large population cohorts (gnomAD); In silico analysis suggests this variant may impact gene splicing. In the absence of RNA/functional studies, the actual effect of this sequence change is unknown.; In silico analysis indicates that this missense variant does not alter protein structure/function; Has not been previously published as pathogenic or benign to our knowledge